The following is an entry in ClinVar:

NM_006231.4(POLE):c.4144C>G (p.Arg1382Gly)

Gene: POLE (DNA polymerase epsilon, catalytic subunit; minus strand). Cytogenetic location: 12q24.33.
Variant type: single nucleotide variant.
Coding change: c.4144C>G on transcript NM_006231.4 (MANE Select); coding-DNA position 4144, C replaced by G.
Protein change: p.Arg1382Gly; replaces arginine 1382 with glycine.
Molecular consequence: missense variant.
Genome position (GRCh38, 1-based): chr12:132,648,934, G>C on the plus strand (C>G on the coding strand, the complement: POLE is on the minus strand). VCF-style: chr12-132648934-G-C. GRCh37 (hg19) VCF-style: chr12-133225520-G-C.
Other names: short protein forms R1382G.
Identifiers: ClinVar variation 405758 (VCV000405758.8), dbSNP rs5744904, ClinGen allele CA16613643.

ClinVar aggregate classification (germline): Uncertain significance (1 of 4 stars; one submission).

Submission:

Labcorp Genetics (formerly Invitae), Labcorp
Classification: Uncertain significance. Last evaluated: 2018-02-08. Review status: criteria provided, single submitter. Criteria: Invitae Variant Classification Sherloc (09022015). Collection method: clinical testing. Allele origin: germline.
Comment: In summary, the available evidence is currently insufficient to determine the role of this variant in disease. Therefore, it has been classified as a Variant of Uncertain Significance. Algorithms developed to predict the effect of sequence changes on RNA splicing suggest that this variant may create or strengthen a splice site, but this prediction has not been confirmed by published transcriptional studies. Algorithms developed to predict the effect of missense changes on protein structure and function do not agree on the potential impact of this missense change (SIFT: "Deleterious"; PolyPhen-2: "Benign"; Align-GVGD: "Class C0"). This variant has not been reported in the literature in individuals with POLE-related disease. ClinVar contains an entry for this variant (Variation ID: 405758). This variant is not present in population databases (ExAC no frequency). This sequence change replaces arginine with glycine at codon 1382 of the POLE protein (p.Arg1382Gly). The arginine residue is moderately conserved and there is a moderate physicochemical difference between arginine and glycine.